The following is an entry in ClinVar:

ClinVar aggregate classification (germline): Uncertain significance (1 of 4 stars; one submission).

Submission:

Labcorp Genetics (formerly Invitae), Labcorp
Classification: Uncertain significance. Last evaluated: 2025-08-08. Review status: criteria provided, single submitter. Criteria: Invitae Variant Classification Sherloc (09022015). Collection method: clinical testing. Allele origin: germline.
Comment: This sequence change affects a donor splice site in intron 20 of the STAT4 gene. It is expected to disrupt RNA splicing. Variants that disrupt the donor or acceptor splice site typically lead to a loss of protein function (PMID: 16199547), however the current clinical and genetic evidence is not sufficient to establish whether loss-of-function variants in STAT4 cause disease. This variant is not present in population databases (gnomAD no frequency). This variant has not been reported in the literature in individuals affected with STAT4-related conditions. Algorithms developed to predict the effect of sequence changes on RNA splicing suggest that this variant may disrupt the consensus splice site. In summary, the available evidence is currently insufficient to determine the role of this variant in disease. Therefore, it has been classified as a Variant of Uncertain Significance.

Literature cited by the submitters: PubMed 16199547.

NM_003151.4(STAT4):c.1852+1G>T

Gene: STAT4 (signal transducer and activator of transcription 4; minus strand). Cytogenetic location: 2q32.2.
Variant type: single nucleotide variant.
Coding change: c.1852+1G>T on transcript NM_003151.4 (MANE Select); the canonical splice donor site of the intron after coding-DNA position 1852, G replaced by T.
Molecular consequence: splice donor variant.
Genome position (GRCh38, 1-based): chr2:191,033,489, C>A on the plus strand (G>T on the coding strand, the complement: STAT4 is on the minus strand). VCF-style: chr2-191033489-C-A. GRCh37 (hg19) VCF-style: chr2-191898215-C-A.
Other names: c.1852+1G>T (NM_001243835.2).
Identifiers: ClinVar variation 4725040 (VCV004725040.1).
Genomic context (GRCh38, chr2:191,033,489, plus strand): 5'-ATCCCAGTAACCAAATTTAAGAAAACTAATTTCACATGAATAAACATTAGTGAGTATATA[C>A]CACTTTCAGAATGGTCCACCCAGGTGAAAGTTATTCCTCCGAGATGGCTTTCACTGAATC-3'